The following is an entry in ClinVar:

ClinVar aggregate classification (germline): Pathogenic/Likely pathogenic. Review status: criteria provided, multiple submitters, no conflicts (2 of 4 stars). 4 submissions from 4 submitters: Pathogenic (1); Likely pathogenic (2). 1 of the submissions does not count toward it. Last evaluated 2023-09-22.

Conditions:
Hereditary cancer-predisposing syndrome. Also called: Hereditary Cancer Syndrome; Neoplastic Syndromes, Hereditary; Hereditary neoplastic syndrome; Tumor predisposition. Identifiers: Orphanet 140162, MedGen C0027672, MeSH D009386, MONDO:0015356.
Hereditary breast ovarian cancer syndrome. Also called: Hereditary breast and ovarian cancer syndrome (HBOC); Breast and ovarian cancer; Hereditary breast and ovarian cancer syndrome; Hereditary breast and ovarian cancer; BRCA1- and BRCA2-Associated Hereditary Breast and Ovarian Cancer; Hereditary breast and/or ovarian cancer syndrome. Identifiers: Orphanet 145, MedGen C0677776, MeSH D061325, MONDO:0003582. Disease mechanism: loss of function.
Breast-ovarian cancer, familial, susceptibility to, 1 (BROVCA1). Also called: BRCA1 Hereditary Breast and Ovarian Cancer; OVARIAN CANCER, SUSCEPTIBILITY TO. Identifiers: Orphanet 145, MedGen C2676676, MONDO:0011450, OMIM 604370. Disease mechanism: loss of function.

Submissions (5):

Ambry Genetics
Classification: Pathogenic for Hereditary cancer-predisposing syndrome. Last evaluated: 2023-09-22. Review status: criteria provided, single submitter. Criteria: Ambry Variant Classification Scheme 2023. Collection method: clinical testing. Allele origin: germline.
Comment: The c.213-5T>A intronic pathogenic variant results from a T to A substitution 5 nucleotides upstream from coding exon 4 in the BRCA1 gene. In addition, this variant demonstrated an aberrant partial intron retention event that is predicted to lead to premature termination and nonsense mediated decay (Ambry internal data; Jarhelle E et al. Fam. Cancer, 2017 01;16:1-16); This nucleotide substitution was also non-functional in a high throughput, genome-editing, haploid cell survival assay (Findlay GM et al. Nature, 2018 10;562:217-222). Based on the supporting evidence, this alteration is interpreted as a disease-causing mutation.

Labcorp Genetics (formerly Invitae), Labcorp
Classification: Likely pathogenic for Hereditary breast ovarian cancer syndrome. Last evaluated: 2021-10-04. Review status: criteria provided, single submitter. Criteria: Invitae Variant Classification Sherloc (09022015). Collection method: clinical testing. Allele origin: germline.
Comment: This sequence change falls in intron 4 of the BRCA1 gene. It does not directly change the encoded amino acid sequence of the BRCA1 protein. RNA analysis indicates that this variant induces altered splicing and may result in an absent or disrupted protein product. This variant is not present in population databases (ExAC no frequency). This variant has been observed in individual(s) with clinical features of hereditary breast and/or ovarian cancer (PMID: 27495310, 29339979). ClinVar contains an entry for this variant (Variation ID: 254639). Algorithms developed to predict the effect of variants on protein structure and function are not available or were not evaluated for this variant. Experimental studies have shown that this variant affects BRCA1 protein function (PMID: 30209399). Studies have shown that this variant results in partial intron inclusion, which introduces a premature termination codon (PMID: 27495310). The resulting mRNA is expected to undergo nonsense-mediated decay. In summary, the currently available evidence indicates that the variant is pathogenic, but additional data are needed to prove that conclusively. Therefore, this variant has been classified as Likely Pathogenic.

Department of Medical Genetics, Oslo University Hospital
Classification: Likely pathogenic for Breast-ovarian cancer, familial, susceptibility to, 1. Last evaluated: 2015-07-01. Review status: criteria provided, single submitter. Criteria: ACMG Guidelines, 2015. Collection method: clinical testing. Allele origin: germline. Affected: yes. Observed: 1 variant allele.

Department of Medical Genetics, University Hospital of North Norway
Classification: Likely pathogenic for Breast-ovarian cancer, familial, susceptibility to, 1. Last evaluated: 2016-05-01. Review status: no assertion criteria provided. Collection method: clinical testing. Allele origin: germline. Affected: yes. Observed: 1 variant allele. Not counted in ClinVar's aggregate classification.

Brotman Baty Institute, University of Washington
No classification provided (evidence only). Condition: Breast-ovarian cancer, familial 1. Review status: no classification provided. Collection method: in vitro. Allele origin: not applicable. Functional consequence: functionally_abnormal. Not counted in ClinVar's aggregate classification.
ClinVar note: "not provided" was previously submitted as the classification for the variant. However, the classification appeared to be based only on an observation of functional data so it was converted to no classification on 2025-07-30.

Literature cited by the submitters: PubMed 27495310 (cited by 3 submitters); PubMed 29339979 (cited by Ambry Genetics and Labcorp Genetics (formerly Invitae), Labcorp); PubMed 30209399 (cited by Ambry Genetics and Labcorp Genetics (formerly Invitae), Labcorp).

NM_007294.4(BRCA1):c.213-5T>A

Gene: BRCA1 (BRCA1 DNA repair associated; minus strand). Cytogenetic location: 17q21.31.
Variant type: single nucleotide variant.
Coding change: c.213-5T>A on transcript NM_007294.4 (MANE Select); 5 bases into the intron before coding-DNA position 213, T replaced by A.
Molecular consequence: intron variant.
Genome position (GRCh38, 1-based): chr17:43,104,961, A>T on the plus strand (T>A on the coding strand, the complement: BRCA1 is on the minus strand). VCF-style: chr17-43104961-A-T. GRCh37 (hg19) VCF-style: chr17-41256978-A-T.
Other names: c.213-5T>A (NM_001407597.1, NM_001407582.1, NM_001407623.1 and 167 more transcripts); c.3-5T>A (NM_001407917.1, NM_001407902.1, NM_001407956.1 and 58 more transcripts); c.72-5T>A (NM_001408462.1, NM_001407724.1, NM_001407697.1 and 99 more transcripts); c.135-5T>A (NM_001408414.1, NM_001408411.1, NM_001407655.1 and 21 more transcripts); c.-218-10101T>A (NM_001407967.1, NM_001407966.1); c.-169-5T>A (NM_001407959.1, NM_001407962.1, NM_001408512.1 and 4 more transcripts); c.81-5T>A (NM_001408451.1).
Identifiers: ClinVar variation 254639 (VCV000254639.13), dbSNP rs886038196, ClinGen allele CA10586680.